The following is an entry in ClinVar:

NM_004977.3(KCNC3):c.1423G>A (p.Asp475Asn)

Gene: KCNC3 (potassium voltage-gated channel subfamily C member 3; minus strand). Cytogenetic location: 19q13.33.
Variant type: single nucleotide variant.
Coding change: c.1423G>A on transcript NM_004977.3 (MANE Select); coding-DNA position 1423, G replaced by A.
Protein change: p.Asp475Asn; replaces aspartic acid 475 with asparagine.
Molecular consequence: missense variant.
Genome position (GRCh38, 1-based): chr19:50,323,530, C>T on the plus strand (G>A on the coding strand, the complement: KCNC3 is on the minus strand). VCF-style: chr19-50323530-C-T. GRCh37 (hg19) VCF-style: chr19-50826787-C-T.
Other names: c.1195G>A, p.Asp399Asn (NM_001372305.1); short protein forms D475N, D399N.
Identifiers: ClinVar variation 1399631 (VCV001399631.6), dbSNP rs201391312, ClinGen allele CA9594238.

ClinVar aggregate classification (germline): Uncertain significance (1 of 4 stars; one submission).

Allele frequency attached by ClinVar (database versions not stated): ExAC 0.00001; TOPMed 0.00002; gnomAD 0.00003; gnomAD exomes 0.00003 and 0.00006; ESP Exome Variant Server 0.00008.
gnomAD v4.1: 103 of 1,614,062 alleles (0.0064%); highest among the groups gnomAD compares: Non-Finnish European, 0.0075%; no homozygotes.

Submission:

Labcorp Genetics (formerly Invitae), Labcorp
Classification: Uncertain significance. Last evaluated: 2023-07-12. Review status: criteria provided, single submitter. Criteria: Invitae Variant Classification Sherloc (09022015). Collection method: clinical testing. Allele origin: germline.
Comment: This sequence change replaces aspartic acid, which is acidic and polar, with asparagine, which is neutral and polar, at codon 475 of the KCNC3 protein (p.Asp475Asn). In summary, the available evidence is currently insufficient to determine the role of this variant in disease. Therefore, it has been classified as a Variant of Uncertain Significance. Advanced modeling of protein sequence and biophysical properties (such as structural, functional, and spatial information, amino acid conservation, physicochemical variation, residue mobility, and thermodynamic stability) performed at Invitae indicates that this missense variant is not expected to disrupt KCNC3 protein function. ClinVar contains an entry for this variant (Variation ID: 1399631). This variant has not been reported in the literature in individuals affected with KCNC3-related conditions. This variant is present in population databases (rs201391312, gnomAD 0.005%).